The following is an entry in ClinVar:

ClinVar aggregate classification (germline): Uncertain significance (1 of 4 stars; one submission).

gnomAD v4.1: 10 of 1,613,546 alleles (0.00062%); highest among the groups gnomAD compares: South Asian, 0.0011%; no homozygotes.

Submission:

Mayo Clinic Laboratories, Mayo Clinic
Classification: Uncertain significance. Last evaluated: 2024-02-20. Review status: criteria provided, single submitter. Criteria: ACMG Guidelines, 2015. Collection method: clinical testing. Allele origin: germline. Observed: 1 variant allele.
Comment: BP4

NM_181882.3(PRX):c.3266C>T (p.Ser1089Phe)

Gene: PRX (periaxin; minus strand). Cytogenetic location: 19q13.2.
Variant type: single nucleotide variant.
Coding change: c.3266C>T on transcript NM_181882.3 (MANE Select); coding-DNA position 3266, C replaced by T.
Protein change: p.Ser1089Phe; replaces serine 1089 with phenylalanine.
Molecular consequence: missense variant. On other transcripts: 3 prime UTR variant (1).
Genome position (GRCh38, 1-based): chr19:40,395,086, G>A on the plus strand (C>T on the coding strand, the complement: PRX is on the minus strand). VCF-style: chr19-40395086-G-A. GRCh37 (hg19) VCF-style: chr19-40900993-G-A.
Other names: p.Ser1089Phe; c.3551C>T, p.Ser1184Phe (NM_001411127.1); c.*3471C>T (NM_020956.2); short protein forms S1089F, S1184F.
Identifiers: ClinVar variation 3380620 (VCV003380620.1).